The following is an entry in ClinVar:

NM_001267550.2(TTN):c.104953del (p.Ser34985fs)

Genes: TTN (titin; minus strand), TTN-AS1 (TTN antisense RNA 1; plus strand). Cytogenetic location: 2q31.2.
Variant type: Deletion.
Coding change: c.104953del on transcript NM_001267550.2 (MANE Select); coding-DNA position 104953, one base deleted (A; older notation c.104953delA).
Protein change: p.Ser34985fs; shifts the reading frame from serine 34985.
Molecular consequence: frameshift variant.
Genome position (GRCh38, 1-based): chr2:178,531,662, T deleted on the plus strand (A on the coding strand, the reverse complement: TTN is on the minus strand); the first of 3 consecutive T bases (chr2:178,531,662-178,531,664); deleting any one gives the same sequence. VCF-style (leftmost placement, unchanged base first): chr2-178531661-CT-C. GRCh37 (hg19) VCF-style: chr2-179396388-CT-C.
Other names: c.100030del, p.Ser33344fs (NM_001256850.1); c.77758del, p.Ser25920fs (NM_003319.4); c.97249del, p.Ser32417fs (NM_133378.4); c.78133del, p.Ser26045fs (NM_133432.3); c.78334del, p.Ser26112fs (NM_133437.4); short protein forms S25920fs, S34985fs, S26045fs, S26112fs, S32417fs, S33344fs.
Identifiers: ClinVar variation 1483146 (VCV001483146.8), dbSNP rs2154133695, ClinGen allele CA2573134140.

ClinVar aggregate classification (germline): Likely pathogenic (1 of 4 stars; one submission).

Conditions:
Dilated cardiomyopathy 1G (CMD1G). Identifiers: Orphanet 154, MedGen C1858763, MONDO:0011400, OMIM 604145.
Autosomal recessive limb-girdle muscular dystrophy type 2J (LGMDR10). Also called: Limb-girdle muscular dystrophy, type 2J; MUSCULAR DYSTROPHY, LIMB-GIRDLE, AUTOSOMAL RECESSIVE 10. Identifiers: Orphanet 140922, MedGen C1837342, MONDO:0012127, OMIM 608807.

Submission:

Labcorp Genetics (formerly Invitae), Labcorp
Classification: Likely pathogenic for Dilated cardiomyopathy 1G; Autosomal recessive limb-girdle muscular dystrophy type 2J. Last evaluated: 2025-08-18. Review status: criteria provided, single submitter. Criteria: Invitae Variant Classification Sherloc (09022015). Collection method: clinical testing. Allele origin: germline.
Comment: This sequence change creates a premature translational stop signal (p.Ser34985Alafs*47) in the TTN gene. While this is not anticipated to result in nonsense mediated decay, it is expected to create a truncated TTN protein. This variant is not present in population databases (gnomAD no frequency). This variant has not been reported in the literature in individuals affected with TTN-related conditions. ClinVar contains an entry for this variant (Variation ID: 1483146). This variant is located in the M band of TTN (PMID: 25589632). Truncating variants in this region have been previously reported in individuals affected with autosomal dominant or autosomal recessive myopathy and muscular dystrophy (PMID: 18948003, 23975875, 24395473). Truncating variants in this region have also been identified in individuals affected with autosomal dominant dilated cardiomyopathy and/or cardio-related conditions (PMID: 27869827, 32964742, internal data). In summary, the currently available evidence indicates that the variant is pathogenic, but additional data are needed to prove that conclusively. Therefore, this variant has been classified as Likely Pathogenic.

Literature cited by the submitters: PubMed 25589632; PubMed 18948003; PubMed 23975875; PubMed 24395473; PubMed 27869827; PubMed 32964742.